The following is an entry in ClinVar:

NM_001142864.4(PIEZO1):c.2966TCT[2] (p.Phe991del)

Genes: HSALR1 (HSP90AB1 associated lncRNA 1; plus strand), PIEZO1 (piezo type mechanosensitive ion channel component 1 (Er blood group); minus strand). Cytogenetic location: 16q24.3.
Variant type: Microsatellite.
Coding change: c.2966TCT[2] on transcript NM_001142864.4 (MANE Select); two copies in a row of the 3-base unit TCT starting at c.2966; the reference has three copies in a row; one copy, 3 bases deleted.
Protein change: p.Phe991del; deletes phenylalanine 991.
Genome position (GRCh38, 1-based): chr16:88,732,352-88,732,354, AGA deleted on the plus strand (TCT on the coding strand, the reverse complement: PIEZO1 is on the minus strand); deleting any 3 consecutive bases within chr16:88,732,352-88,732,362 gives the same sequence; the position shown is the placement nearest the transcript's 3' end. VCF-style (leftmost placement, unchanged base first): chr16-88732351-TAGA-T. GRCh37 (hg19) VCF-style: chr16-88798759-TAGA-T.
Other names: short protein forms F991del.
Identifiers: ClinVar variation 3359904 (VCV003359904.2).

ClinVar aggregate classification (germline): Uncertain significance. Review status: criteria provided, multiple submitters, no conflicts (2 of 4 stars). 2 submissions from 2 submitters: Uncertain significance (2). Last evaluated 2024-02-28.

Submissions (2):

ARUP Laboratories, Molecular Genetics and Genomics, ARUP Laboratories
Classification: Uncertain significance. Last evaluated: 2024-02-28. Review status: criteria provided, single submitter. Criteria: ARUP Molecular Germline Variant Investigation Process 2024. Collection method: clinical testing. Allele origin: germline.

GeneDx
Classification: Uncertain significance. Last evaluated: 2024-01-10. Review status: criteria provided, single submitter. Criteria: GeneDx Variant Classification Process June 2021. Collection method: clinical testing. Allele origin: germline. Affected: yes.
Comment: In-frame deletion of 1 amino acid in a non-repeat region; In silico analysis supports a deleterious effect on protein structure/function; Has not been previously published as pathogenic or benign to our knowledge